The following is an entry in ClinVar:

NM_002474.3(MYH11):c.1038A>G (p.Ile346Met)

Gene: MYH11 (myosin heavy chain 11; minus strand). Cytogenetic location: 16p13.11.
Variant type: single nucleotide variant.
Coding change: c.1038A>G on transcript NM_002474.3 (MANE Select); coding-DNA position 1038, A replaced by G.
Protein change: p.Ile346Met; replaces isoleucine 346 with methionine.
Molecular consequence: missense variant.
Genome position (GRCh38, 1-based): chr16:15,763,887, T>C on the plus strand (A>G on the coding strand, the complement: MYH11 is on the minus strand). VCF-style: chr16-15763887-T-C. GRCh37 (hg19) VCF-style: chr16-15857744-T-C.
Other names: c.1059A>G, p.Ile353Met (NM_001040113.2, NM_001040114.2); c.1038A>G, p.Ile346Met (NM_022844.3); short protein forms I346M, I353M.
Identifiers: ClinVar variation 925471 (VCV000925471.5), dbSNP rs2041924270, ClinGen allele CA394866017.
Genomic context (GRCh38, chr16:15,763,887, plus strand): 5'-GTTTCTTTCCTTCTTGAAGACGATATTTCCAAGCTGCAGGACCGATGATACCACCTTCAA[T>C]ATGGCTGAGGTGGGGAGAGAAGGGCAGAGCAGACACAAAGGTCAATGCCAAGGTACCCTG-3'
Protein context (NP_002465.1, residues 336-356): MGFSEEEQLS[Ile346Met]LKVVSSVLQL

ClinVar aggregate classification (germline): Uncertain significance (1 of 4 stars; one submission).

Conditions:
Familial thoracic aortic aneurysm and aortic dissection (TAAD). Also called: Thoracic aortic aneurysms and dissections. Identifiers: Orphanet 91387, MedGen C4707243, MONDO:0019625.

Allele frequency attached by ClinVar (database versions not stated): gnomAD exomes below 0.00001; TOPMed below 0.00001.
gnomAD v4.1: 2 of 1,612,146 alleles (0.00012%); highest among the groups gnomAD compares: Non-Finnish European, 0.000085%; no homozygotes.

Submission:

Color Diagnostics, LLC DBA Color Health
Classification: Uncertain significance for Familial thoracic aortic aneurysm and aortic dissection. Last evaluated: 2023-12-05. Review status: criteria provided, single submitter. Criteria: ACMG Guidelines, 2015. Collection method: clinical testing. Allele origin: germline.
Comment: Variant of Uncertain Significance due to insufficient evidence: This missense variant is located in the myosin motor domain of the MYH11 protein. Computational prediction tools and conservation analyses suggest that this variant may not impact the protein function. Computational splicing tools suggest that this variant may not impact RNA splicing. To our knowledge, functional assays have not been performed for this variant nor has this variant been reported in individuals affected with cardiovascular disorders in the literature. This variant is rare in the general population and has been identified in 0/277264 chromosomes by the Genome Aggregation Database (gnomAD). Available evidence is insufficient to determine the pathogenicity of this variant conclusively.